The following is an entry in ClinVar:

ClinVar aggregate classification (germline): Uncertain significance. Review status: criteria provided, multiple submitters, no conflicts (2 of 4 stars). 2 submissions from 2 submitters: Uncertain significance (2). Last evaluated 2025-05-01.

Conditions:
Inborn genetic diseases. Identifiers: MedGen C0950123, MeSH D030342.

Allele frequency attached by ClinVar (database versions not stated): TOPMed 0.00002; gnomAD 0.00003.
gnomAD v4.1: 75 of 1,614,008 alleles (0.0046%); highest among the groups gnomAD compares: Non-Finnish European, 0.0055%; no homozygotes.

Submissions (2):

Labcorp Genetics (formerly Invitae), Labcorp
Classification: Uncertain significance. Last evaluated: 2025-05-01. Review status: criteria provided, single submitter. Criteria: Invitae Variant Classification Sherloc (09022015). Collection method: clinical testing. Allele origin: germline.
Comment: This sequence change replaces glycine, which is neutral and non-polar, with tryptophan, which is neutral and slightly polar, at codon 970 of the FLNB protein (p.Gly970Trp). This variant is present in population databases (rs199653368, gnomAD 0.002%). This variant has not been reported in the literature in individuals affected with FLNB-related conditions. ClinVar contains an entry for this variant (Variation ID: 2192437). Invitae Evidence Modeling of protein sequence and biophysical properties (such as structural, functional, and spatial information, amino acid conservation, physicochemical variation, residue mobility, and thermodynamic stability) has been performed for this missense variant. However, the output from this modeling did not meet the statistical confidence thresholds required to predict the impact of this variant on FLNB protein function. In summary, the available evidence is currently insufficient to determine the role of this variant in disease. Therefore, it has been classified as a Variant of Uncertain Significance.

Ambry Genetics
Classification: Uncertain significance for Inborn genetic diseases. Last evaluated: 2022-07-12. Review status: criteria provided, single submitter. Criteria: Ambry Variant Classification Scheme 2023. Collection method: clinical testing. Allele origin: germline.

NM_001457.4(FLNB):c.2908G>T (p.Gly970Trp)

Gene: FLNB (filamin B; plus strand). Cytogenetic location: 3p14.3.
Variant type: single nucleotide variant.
Coding change: c.2908G>T on transcript NM_001457.4 (MANE Select); coding-DNA position 2908, G replaced by T.
Protein change: p.Gly970Trp; replaces glycine 970 with tryptophan.
Molecular consequence: missense variant.
Genome position (GRCh38, 1-based): chr3:58,121,285, G>T. VCF-style: chr3-58121285-G-T. GRCh37 (hg19) VCF-style: chr3-58107012-G-T.
Other names: c.2908G>T (NM_001457.3); c.2908G>T, p.Gly970Trp (NM_001164317.2, NM_001164318.2, NM_001164319.2); short protein forms G970W.
Identifiers: ClinVar variation 2192437 (VCV002192437.5), dbSNP rs199653368, ClinGen allele CA75445594.